The following is an entry in ClinVar:

NM_004132.5(HABP2):c.1095-6T>C

Gene: HABP2 (hyaluronan binding protein 2; plus strand). Cytogenetic location: 10q25.3.
Variant type: single nucleotide variant.
Coding change: c.1095-6T>C on transcript NM_004132.5 (MANE Select); 6 bases into the intron before coding-DNA position 1095, T replaced by C.
Molecular consequence: intron variant.
Genome position (GRCh38, 1-based): chr10:113,583,210, T>C. VCF-style: chr10-113583210-T-C. GRCh37 (hg19) VCF-style: chr10-115342969-T-C.
Other names: c.1017-6T>C (NM_001177660.3).
Identifiers: ClinVar variation 298916 (VCV000298916.6), dbSNP rs200597605, ClinGen allele CA5693916.

ClinVar aggregate classification (germline): Likely benign. Review status: criteria provided, multiple submitters, no conflicts (2 of 4 stars). 2 submissions from 2 submitters: Likely benign (2). Last evaluated 2020-12-07.

Conditions:
Factor VII-activating protease marburg I. Identifiers: MedGen CN068943.

Allele frequency attached by ClinVar (database versions not stated): gnomAD exomes 0.00013 and 0.00037; 1000 Genomes Project 0.00020; 1000 Genomes Project 30x 0.00031; ExAC 0.00042; gnomAD 0.00139 and 0.00154; TOPMed 0.00178; ESP Exome Variant Server 0.00200.
gnomAD v4.1: 406 of 1,613,566 alleles (0.025%); highest among the groups gnomAD compares: African/African-American, 0.5%; 1 homozygote.

Submissions (2):

GeneDx
Classification: Likely benign. Last evaluated: 2020-12-07. Review status: criteria provided, single submitter. Criteria: GeneDx Variant Classification Process June 2021. Collection method: clinical testing. Allele origin: germline. Affected: yes.

Illumina Laboratory Services, Illumina
Classification: Likely benign for Factor VII Marburg I Variant Thrombophilia. Last evaluated: 2018-01-12. Review status: criteria provided, single submitter. Criteria: ICSL Variant Classification Criteria 13 December 2019. Collection method: clinical testing. Allele origin: germline.
Comment: This variant was observed in the ICSL laboratory as part of a predisposition screen in an ostensibly healthy population. It had not been previously curated by ICSL or reported in the Human Gene Mutation Database (HGMD: prior to June 1st, 2018), and was therefore a candidate for classification through an automated scoring system. Utilizing variant allele frequency, disease prevalence and penetrance estimates, and inheritance mode, an automated score was calculated to assess if this variant is too frequent to cause the disease. Based on the score and internal cut-off values, a variant classified as likely benign is not then subjected to further curation. The score for this variant resulted in a classification of likely benign for this disease.